The following is an entry in ClinVar:

ClinVar aggregate classification (germline): Pathogenic (1 of 4 stars; one submission).

Submission:

ISCA Site 6
Classification: Pathogenic. Last evaluated: 2011-08-12. Review status: criteria provided, single submitter. Criteria: Kaminsky et al. (Genet Med. 2011). Collection method: clinical testing. Allele origin: unknown, de novo. Affected: yes. Observed: 2 variant alleles.
Comment: Copy number variation identified through the course of routine clinical cytogenomic testing in postnatal populations. Clinical assertions have been curated as described in Kaminsky et al. 2011.

GRCh38/hg38 17q21.31(chr17:45629520-46098805)x1

Genes: CRHR1 (corticotropin releasing hormone receptor 1), KANSL1 (KAT8 regulatory NSL complex subunit 1), LINC02210 (long intergenic non-protein coding RNA 2210), LINC02210-CRHR1 (LINC02210-CRHR1 readthrough), MAPT (microtubule associated protein tau) and 6 more. Cytogenetic location: 17q21.31.
Variant type: copy number loss.
Change: copy number 1 (one copy instead of two) of chr17:45,629,520-46,098,805 (469.3 kb, GRCh38 coordinates, 1-based), cytogenetic band 17q21.31.
Identifiers: ClinVar variation 57538 (VCV000057538.2).